The following is an entry in ClinVar:

NM_213599.3(ANO5):c.407C>T (p.Pro136Leu)

Gene: ANO5 (anoctamin 5; plus strand). Cytogenetic location: 11p14.3.
Variant type: single nucleotide variant.
Coding change: c.407C>T on transcript NM_213599.3 (MANE Select); coding-DNA position 407, C replaced by T.
Protein change: p.Pro136Leu; replaces proline 136 with leucine.
Molecular consequence: missense variant.
Genome position (GRCh38, 1-based): chr11:22,227,345, C>T. VCF-style: chr11-22227345-C-T. GRCh37 (hg19) VCF-style: chr11-22248891-C-T.
Other names: c.404C>T, p.Pro135Leu (NM_001142649.2); c.365C>T, p.Pro122Leu (NM_001410963.1); c.362C>T, p.Pro121Leu (NM_001410964.1); short protein forms P135L, P122L, P121L, P136L.
Identifiers: ClinVar variation 2927768 (VCV002927768.3), dbSNP rs1165635377, ClinGen allele CA379919429.

ClinVar aggregate classification (germline): Uncertain significance (1 of 4 stars; one submission).

Conditions:
Autosomal recessive limb-girdle muscular dystrophy type 2L (LGMDR12). Also called: Limb-Girdle Muscular Dystrophy R12 Anoctamin-5-Related (LGMD-R12); MUSCULAR DYSTROPHY, LIMB-GIRDLE, AUTOSOMAL RECESSIVE 12; Limb-girdle muscular dystrophy, type 2L. Identifiers: Orphanet 206549, MedGen C1969785, MONDO:0012652, OMIM 611307.
Gnathodiaphyseal dysplasia (GDD). Also called: GNATHODIAPHYSEAL SCLEROSIS; OSTEOGENESIS IMPERFECTA WITH UNUSUAL SKELETAL LESIONS. Identifiers: Orphanet 53697, MedGen C1833736, MONDO:0008151, OMIM 166260.

Allele frequency attached by ClinVar (database versions not stated): gnomAD exomes below 0.00001; TOPMed below 0.00001; gnomAD 0.00001.
gnomAD v4.1: 2 of 1,613,068 alleles (0.00012%); highest among the groups gnomAD compares: African/African-American, 0.0013%; no homozygotes.

Submission:

Labcorp Genetics (formerly Invitae), Labcorp
Classification: Uncertain significance for Autosomal recessive limb-girdle muscular dystrophy type 2L; Gnathodiaphyseal dysplasia. Last evaluated: 2024-02-03. Review status: criteria provided, single submitter. Criteria: Invitae Variant Classification Sherloc (09022015). Collection method: clinical testing. Allele origin: germline.
Comment: This sequence change replaces proline, which is neutral and non-polar, with leucine, which is neutral and non-polar, at codon 136 of the ANO5 protein (p.Pro136Leu). This variant is present in population databases (no rsID available, gnomAD 0.01%). This variant has not been reported in the literature in individuals affected with ANO5-related conditions. Advanced modeling of protein sequence and biophysical properties (such as structural, functional, and spatial information, amino acid conservation, physicochemical variation, residue mobility, and thermodynamic stability) performed at Invitae indicates that this missense variant is expected to disrupt ANO5 protein function with a positive predictive value of 95%. In summary, the available evidence is currently insufficient to determine the role of this variant in disease. Therefore, it has been classified as a Variant of Uncertain Significance.